The following is an entry in ClinVar:

ClinVar aggregate classification (germline): Uncertain significance (1 of 4 stars; one submission).

Submission:

Ambry Genetics
Classification: Uncertain significance. Last evaluated: 2022-07-30. Review status: criteria provided, single submitter. Criteria: Ambry Variant Classification Scheme 2023. Collection method: clinical testing. Allele origin: germline.
Comment: The p.M310I variant (also known as c.930G>A), located in coding exon 5 of the GALNT12 gene, results from a G to A substitution at nucleotide position 930. The methionine at codon 310 is replaced by isoleucine, an amino acid with highly similar properties. This amino acid position is conserved. In addition, the in silico prediction for this alteration is inconclusive. Since supporting evidence is limited at this time, the clinical significance of this alteration remains unclear.

NM_024642.5(GALNT12):c.930G>A (p.Met310Ile)

Gene: GALNT12 (polypeptide N-acetylgalactosaminyltransferase 12; plus strand). Cytogenetic location: 9q22.33.
Variant type: single nucleotide variant.
Coding change: c.930G>A on transcript NM_024642.5 (MANE Select); coding-DNA position 930, G replaced by A.
Protein change: p.Met310Ile; replaces methionine 310 with isoleucine.
Molecular consequence: missense variant.
Genome position (GRCh38, 1-based): chr9:98,835,261, G>A. VCF-style: chr9-98835261-G-A. GRCh37 (hg19) VCF-style: chr9-101597543-G-A.
Other names: short protein forms M310I.
Identifiers: ClinVar variation 1766531 (VCV001766531.2), dbSNP rs2490527188, ClinGen allele CA374219339.